The following is an entry in ClinVar:

Conditions:
Long QT syndrome 5 (LQT5). Identifiers: Orphanet 101016, Orphanet 768, MedGen C1867904, MONDO:0013372, OMIM 613695.

gnomAD v4.1: 1 of 1,605,108 alleles (0.000062%); highest among the groups gnomAD compares: Non-Finnish European, 0.000085%; no homozygotes.

Submission:

Roden Lab, Vanderbilt University Medical Center
No classification provided (evidence only). Condition: Long QT syndrome 5. Review status: no classification provided. Collection method: in vitro. Allele origin: not applicable. Functional consequence: Effect on ion channel function.
ClinVar note: "not provided" was previously submitted as the classification for the variant. However, the classification appeared to be based only on an observation of functional data so it was converted to no classification on 2025-07-30.

NM_000219.6(KCNE1):c.252C>A (p.Ser84=)

Gene: KCNE1 (potassium voltage-gated channel subfamily E regulatory subunit 1; minus strand). Cytogenetic location: 21q22.12.
Variant type: single nucleotide variant.
Coding change: c.252C>A on transcript NM_000219.6 (MANE Select); coding-DNA position 252, C replaced by A.
Protein change: p.Ser84=; no amino-acid change (serine 84 retained).
Molecular consequence: synonymous variant.
Genome position (GRCh38, 1-based): chr21:34,449,383, G>T on the plus strand (C>A on the coding strand, the complement: KCNE1 is on the minus strand). VCF-style: chr21-34449383-G-T. GRCh37 (hg19) VCF-style: chr21-35821681-G-T.
Other names: c.252C>A, p.Ser84= (NM_001127668.4, NM_001127669.4, NM_001127670.4 and 4 more transcripts).
Identifiers: ClinVar variation 3374443 (VCV003374443.2).